The following is an entry in ClinVar:

ClinVar aggregate classification (germline): Pathogenic (1 of 4 stars; one submission).
ClinVar aggregate classification (oncogenicity): Likely oncogenic (1 of 4 stars; one submission).

Conditions:
Juvenile polyposis syndrome (JPS). Identifiers: Orphanet 2929, MedGen C0345893, MONDO:0017380, OMIM 174900.
Neoplasm. Also called: tumor; Neoplasms; Neoplasm (disease). Identifiers: MedGen C0027651, MeSH D009369, MONDO:0005070, HP:0002664.

Submissions (2):

Center for Genomic Medicine, Rigshospitalet, Copenhagen University Hospital
Classification: Likely oncogenic for Neoplasm. Last evaluated: 2025-12-29. Review status: criteria provided, single submitter. Criteria: ClinGen/CGC/VICC Guidelines for Oncogenicity, 2022. Collection method: clinical testing. Allele origin: somatic. Affected: yes.

Labcorp Genetics (formerly Invitae), Labcorp
Classification: Pathogenic for Juvenile polyposis syndrome. Last evaluated: 2023-06-19. Review status: criteria provided, single submitter. Criteria: Invitae Variant Classification Sherloc (09022015). Collection method: clinical testing. Allele origin: germline.
Comment: This sequence change creates a premature translational stop signal (p.Glu41*) in the SMAD4 gene. It is expected to result in an absent or disrupted protein product. Loss-of-function variants in SMAD4 are known to be pathogenic (PMID: 16152648, 16436638, 22810475). This variant is not present in population databases (gnomAD no frequency). This variant has not been reported in the literature in individuals affected with SMAD4-related conditions. For these reasons, this variant has been classified as Pathogenic.

Literature cited by the submitters: PubMed 26488212 (cited by Center for Genomic Medicine, Rigshospitalet, Copenhagen University Hospital); PubMed 16152648 (cited by Labcorp Genetics (formerly Invitae), Labcorp); PubMed 16436638 (cited by Labcorp Genetics (formerly Invitae), Labcorp); PubMed 22810475 (cited by Labcorp Genetics (formerly Invitae), Labcorp).

NM_005359.6(SMAD4):c.121G>T (p.Glu41Ter)

Gene: SMAD4 (SMAD family member 4; plus strand). Cytogenetic location: 18q21.2.
Variant type: single nucleotide variant.
Coding change: c.121G>T on transcript NM_005359.6 (MANE Select); coding-DNA position 121, G replaced by T.
Protein change: p.Glu41Ter; replaces glutamic acid 41 with a stop codon.
Molecular consequence: nonsense. On other transcripts: non-coding transcript variant (2).
Genome position (GRCh38, 1-based): chr18:51,047,167, G>T. VCF-style: chr18-51047167-G-T. GRCh37 (hg19) VCF-style: chr18-48573537-G-T.
Other names: c.121G>T, p.Glu41Ter (NM_001407041.1, NM_001407042.1, NM_001407043.1); short protein forms E41*.
Identifiers: ClinVar variation 2840181 (VCV002840181.4), dbSNP rs2144401076, ClinGen allele CA402457724.